The following is an entry in ClinVar:

NM_006214.4(PHYH):c.574G>T (p.Ala192Ser)

Gene: PHYH (phytanoyl-CoA 2-hydroxylase; minus strand). Cytogenetic location: 10p13.
Variant type: single nucleotide variant.
Coding change: c.574G>T on transcript NM_006214.4 (MANE Select); coding-DNA position 574, G replaced by T.
Protein change: p.Ala192Ser; replaces alanine 192 with serine.
Molecular consequence: missense variant. On other transcripts: intron variant (1).
Genome position (GRCh38, 1-based): chr10:13,288,464, C>A on the plus strand (G>T on the coding strand, the complement: PHYH is on the minus strand). VCF-style: chr10-13288464-C-A. GRCh37 (hg19) VCF-style: chr10-13330464-C-A.
Other names: c.274G>T, p.Ala92Ser (NM_001037537.2, NM_001323080.2); c.580G>T, p.Ala194Ser (NM_001323082.2); c.280G>T, p.Ala94Ser (NM_001323084.2); c.415-4625G>T (NM_001323083.2); c.574G>T (NM_006214.3); short protein forms A192S, A194S, A92S, A94S.
Identifiers: ClinVar variation 1284804 (VCV001284804.5), dbSNP rs751660253, ClinGen allele CA376035547.

ClinVar aggregate classification (germline): Uncertain significance. Review status: criteria provided, multiple submitters, no conflicts (2 of 4 stars). 4 submissions from 4 submitters: Uncertain significance (2). 2 of the submissions do not count toward it. Last evaluated 2025-11-26.

Conditions:
Inborn genetic diseases. Identifiers: MedGen C0950123, MeSH D030342.

gnomAD v4.1: 3 of 1,614,204 alleles (0.00019%); highest among the groups gnomAD compares: Non-Finnish European, 0.00025%; no homozygotes.

Submissions (4):

Ambry Genetics
Classification: Uncertain significance for Inborn genetic diseases. Last evaluated: 2025-11-26. Review status: criteria provided, single submitter. Criteria: Ambry Variant Classification Scheme 2023. Collection method: clinical testing. Allele origin: germline.

Labcorp Genetics (formerly Invitae), Labcorp
Classification: Uncertain significance. Last evaluated: 2025-02-20. Review status: criteria provided, single submitter. Criteria: Invitae Variant Classification Sherloc (09022015). Collection method: clinical testing. Allele origin: germline.
Comment: This sequence change replaces alanine, which is neutral and non-polar, with serine, which is neutral and polar, at codon 192 of the PHYH protein (p.Ala192Ser). This variant is present in population databases (no rsID available, gnomAD 0.0009%). This variant has not been reported in the literature in individuals affected with PHYH-related conditions. ClinVar contains an entry for this variant (Variation ID: 1284804). Invitae Evidence Modeling of protein sequence and biophysical properties (such as structural, functional, and spatial information, amino acid conservation, physicochemical variation, residue mobility, and thermodynamic stability) indicates that this missense variant is not expected to disrupt PHYH protein function with a negative predictive value of 80%. In summary, the available evidence is currently insufficient to determine the role of this variant in disease. Therefore, it has been classified as a Variant of Uncertain Significance.

Clinical Genetics DNA and cytogenetics Diagnostics Lab, Erasmus MC, Erasmus Medical Center
Classification: Uncertain significance. Review status: no assertion criteria provided. Collection method: clinical testing. Allele origin: germline. Affected: yes. Study: VKGL Data-share Consensus. Not counted in ClinVar's aggregate classification.

Clinical Genetics, Academic Medical Center
Classification: Uncertain significance. Review status: no assertion criteria provided. Collection method: clinical testing. Allele origin: germline. Affected: yes. Study: VKGL Data-share Consensus. Not counted in ClinVar's aggregate classification.